The following is an entry in ClinVar:

ClinVar aggregate classification (germline): Uncertain significance (1 of 4 stars; one submission).

Conditions:
Developmental and epileptic encephalopathy, 1 (DEE1). Also called: X-linked infantile spasms; West's syndrome; Tonic spasms with clustering, arrest of psychomotor development and hypsarrhythmia on EEG; X-Linked Infantile Spasm Syndrome; OHTAHARA SYNDROME, X-LINKED; Epileptic encephalopathy, early infantile, 1. Identifiers: MedGen C3463992, MONDO:0010632, OMIM 308350. Disease mechanism: loss of function.

Allele frequency attached by ClinVar (database versions not stated): ExAC 0.00001; gnomAD 0.00001; TOPMed 0.00002; ESP Exome Variant Server 0.00008.
gnomAD v4.1: 22 of 1,614,112 alleles (0.0014%); highest among the groups gnomAD compares: Non-Finnish European, 0.0018%; no homozygotes.

Submission:

Labcorp Genetics (formerly Invitae), Labcorp
Classification: Uncertain significance. Last evaluated: 2025-12-01. Review status: criteria provided, single submitter. Criteria: Invitae Variant Classification Sherloc (09022015). Collection method: clinical testing. Allele origin: germline.
Comment: This sequence change replaces asparagine, which is neutral and polar, with aspartic acid, which is acidic and polar, at codon 1043 of the SCN3A protein (p.Asn1043Asp). This variant is present in population databases (rs150421779, gnomAD 0.0009%). This variant has not been reported in the literature in individuals affected with SCN3A-related conditions. ClinVar contains an entry for this variant (Variation ID: 1502639). Invitae Evidence Modeling of protein sequence and biophysical properties (such as structural, functional, and spatial information, amino acid conservation, physicochemical variation, residue mobility, and thermodynamic stability) indicates that this missense variant is not expected to disrupt SCN3A protein function with a negative predictive value of 95%. In summary, the available evidence is currently insufficient to determine the role of this variant in disease. Therefore, it has been classified as a Variant of Uncertain Significance.

NM_006922.4(SCN3A):c.3127A>G (p.Asn1043Asp)

Gene: SCN3A (sodium voltage-gated channel alpha subunit 3; minus strand). Cytogenetic location: 2q24.3.
Variant type: single nucleotide variant.
Coding change: c.3127A>G on transcript NM_006922.4 (MANE Select); coding-DNA position 3127, A replaced by G.
Protein change: p.Asn1043Asp; replaces asparagine 1043 with aspartic acid.
Molecular consequence: missense variant.
Genome position (GRCh38, 1-based): chr2:165,127,897, T>C on the plus strand (A>G on the coding strand, the complement: SCN3A is on the minus strand). VCF-style: chr2-165127897-T-C. GRCh37 (hg19) VCF-style: chr2-165984407-T-C.
Other names: c.2980A>G, p.Asn994Asp (NM_001081676.2, NM_001081677.2); c.3127A>G (NM_006922.3); short protein forms N1043D, N994D.
Identifiers: ClinVar variation 1502639 (VCV001502639.9), dbSNP rs150421779, ClinGen allele CA1938850.